The following is an entry in ClinVar:

ClinVar aggregate classification (germline): Uncertain significance. Review status: criteria provided, multiple submitters, no conflicts (2 of 4 stars). 3 submissions from 3 submitters: Uncertain significance (2). 1 of the submissions does not count toward it. Last evaluated 2025-05-06.

Conditions:
Inborn genetic diseases. Identifiers: MedGen C0950123, MeSH D030342.
Cohen syndrome (COH1). Also called: Cutis verticis gyrata, retinitis pigmentosa, and sensorineural deafness; PEPPER SYNDROME. Identifiers: Orphanet 193, MedGen C0265223, MONDO:0008999, OMIM 216550.
VPS13B-related disorder. Also called: VPS13B-related condition.

Allele frequency attached by ClinVar (database versions not stated): ExAC 0.00002; gnomAD exomes 0.00002; TOPMed 0.00003.
gnomAD v4.1: 37 of 1,613,884 alleles (0.0023%); highest among the groups gnomAD compares: East Asian, 0.056%; 2 homozygotes.

Submissions (3):

Ambry Genetics
Classification: Uncertain significance for Inborn genetic diseases. Last evaluated: 2025-05-06. Review status: criteria provided, single submitter. Criteria: Ambry Variant Classification Scheme 2023. Collection method: clinical testing. Allele origin: germline.

Illumina Laboratory Services, Illumina
Classification: Uncertain significance for Cohen syndrome. Last evaluated: 2018-01-12. Review status: criteria provided, single submitter. Criteria: ICSL Variant Classification Criteria 13 December 2019. Collection method: clinical testing. Allele origin: germline.

PreventionGenetics, part of Exact Sciences
Classification: Uncertain significance for VPS13B-related condition. Last evaluated: 2024-07-03. Review status: no assertion criteria provided. Collection method: clinical testing. Allele origin: germline. Not counted in ClinVar's aggregate classification.
Comment: The VPS13B c.8828G>A variant is predicted to result in the amino acid substitution p.Arg2943Gln. To our knowledge, this variant has not been reported in the literature. This variant is reported in 0.015% of alleles in individuals of East Asian descent in gnomAD. At this time, the clinical significance of this variant is uncertain due to the absence of conclusive functional and genetic evidence.

NM_152564.5(VPS13B):c.8828G>A (p.Arg2943Gln)

Gene: VPS13B (vacuolar protein sorting 13 homolog B; plus strand). Cytogenetic location: 8q22.2.
Variant type: single nucleotide variant.
Coding change: c.8828G>A on transcript NM_152564.5 (MANE Select); coding-DNA position 8828, G replaced by A.
Protein change: p.Arg2943Gln; replaces arginine 2943 with glutamine.
Molecular consequence: missense variant.
Genome position (GRCh38, 1-based): chr8:99,819,956, G>A. VCF-style: chr8-99819956-G-A. GRCh37 (hg19) VCF-style: chr8-100832184-G-A.
Other names: c.8828G>A (NM_152564.4); c.8903G>A (NM_017890.3); c.8903G>A, p.Arg2968Gln (NM_017890.5); short protein forms R2943Q, R2968Q.
Identifiers: ClinVar variation 908623 (VCV000908623.6), dbSNP rs777528760, ClinGen allele CA4824576.